The following is an entry in ClinVar:

ClinVar aggregate classification (germline): Uncertain significance (1 of 4 stars; one submission).

Allele frequency attached by ClinVar (database versions not stated): gnomAD exomes 0.00003; ExAC 0.00004; ESP Exome Variant Server 0.00034.
gnomAD v4.1: 46 of 1,614,056 alleles (0.0028%); highest among the groups gnomAD compares: African/African-American, 0.06%; no homozygotes.

Submission:

Labcorp Genetics (formerly Invitae), Labcorp
Classification: Uncertain significance. Last evaluated: 2022-10-13. Review status: criteria provided, single submitter. Criteria: Invitae Variant Classification Sherloc (09022015). Collection method: clinical testing. Allele origin: germline.
Comment: This sequence change replaces aspartic acid, which is acidic and polar, with asparagine, which is neutral and polar, at codon 1452 of the HTT protein (p.Asp1452Asn). In summary, the available evidence is currently insufficient to determine the role of this variant in disease. Therefore, it has been classified as a Variant of Uncertain Significance. Experimental studies and prediction algorithms are not available or were not evaluated, and the functional significance of this variant is currently unknown. ClinVar contains an entry for this variant (Variation ID: 1485929). This variant has not been reported in the literature in individuals affected with HTT-related conditions. This variant is present in population databases (rs199843834, gnomAD 0.05%).

NM_001388492.1(HTT):c.4348G>A (p.Asp1450Asn)

Gene: HTT (huntingtin; plus strand). Cytogenetic location: 4p16.3.
Variant type: single nucleotide variant.
Coding change: c.4348G>A on transcript NM_001388492.1 (MANE Select); coding-DNA position 4348, G replaced by A.
Protein change: p.Asp1450Asn; replaces aspartic acid 1450 with asparagine.
Molecular consequence: missense variant.
Genome position (GRCh38, 1-based): chr4:3,175,048, G>A. VCF-style: chr4-3175048-G-A. GRCh37 (hg19) VCF-style: chr4-3176775-G-A.
Other names: c.4354G>A, p.Asp1452Asn (NM_002111.8); short protein forms D1450N, D1452N.
Identifiers: ClinVar variation 1485929 (VCV001485929.6), dbSNP rs199843834, ClinGen allele CA2824402.